The following is an entry in ClinVar:

NM_005862.3(STAG1):c.125G>A (p.Arg42Gln)

Gene: STAG1 (STAG1 cohesin complex component; minus strand). Cytogenetic location: 3q22.3.
Variant type: single nucleotide variant.
Coding change: c.125G>A on transcript NM_005862.3 (MANE Select); coding-DNA position 125, G replaced by A.
Protein change: p.Arg42Gln; replaces arginine 42 with glutamine.
Molecular consequence: missense variant.
Genome position (GRCh38, 1-based): chr3:136,623,153, C>T on the plus strand (G>A on the coding strand, the complement: STAG1 is on the minus strand). VCF-style: chr3-136623153-C-T. GRCh37 (hg19) VCF-style: chr3-136341995-C-T.
Other names: short protein forms R42Q.
Identifiers: ClinVar variation 1810563 (VCV001810563.3), dbSNP rs1939940779, ClinGen allele CA354745227.

ClinVar aggregate classification (germline): Uncertain significance. Review status: criteria provided, multiple submitters, no conflicts (2 of 4 stars). 3 submissions from 3 submitters: Uncertain significance (3). Last evaluated 2025-11-06.

Conditions:
Inborn genetic diseases. Identifiers: MedGen C0950123, MeSH D030342.

Allele frequency attached by ClinVar (database versions not stated): gnomAD exomes below 0.00001; TOPMed 0.00001.
gnomAD v4.1: 1 of 1,613,032 alleles (0.000062%); highest among the groups gnomAD compares: Non-Finnish European, 0.000085%; no homozygotes.

Submissions (3):

Women's Health and Genetics/Laboratory Corporation of America, LabCorp
Classification: Uncertain significance. Last evaluated: 2025-11-06. Review status: criteria provided, single submitter. Criteria: LabCorp Variant Classification Summary - May 2015. Collection method: clinical testing. Allele origin: germline.
Comment: Variant summary: STAG1 c.125G>A (p.Arg42Gln) results in a conservative amino acid change in the encoded protein sequence. Algorithms developed to predict the effect of missense changes on protein structure and function are either unavailable or do not agree on the potential impact of this missense change. The variant was absent in 250970 control chromosomes. The available data on variant occurrences in the general population are insufficient to allow any conclusion about variant significance. To our knowledge, no occurrence of c.125G>A in individuals affected with STAG1-related conditions and no experimental evidence demonstrating its impact on protein function have been reported. ClinVar contains an entry for this variant (Variation ID: 1810563). Based on the evidence outlined above, the variant was classified as uncertain significance.

Ambry Genetics
Classification: Uncertain significance for Inborn genetic diseases. Last evaluated: 2025-03-07. Review status: criteria provided, single submitter. Criteria: Ambry Variant Classification Scheme 2023. Collection method: clinical testing. Allele origin: germline.

GeneDx
Classification: Uncertain significance. Last evaluated: 2022-07-08. Review status: criteria provided, single submitter. Criteria: GeneDx Variant Classification Process June 2021. Collection method: clinical testing. Allele origin: germline. Affected: yes.
Comment: Has not been previously published as pathogenic or benign to our knowledge; Not observed at significant frequency in large population cohorts (gnomAD); In silico analysis supports that this missense variant does not alter protein structure/function